The following is an entry in ClinVar:

NM_000206.3(IL2RG):c.577T>C (p.Trp193Arg)

Gene: IL2RG (interleukin 2 receptor subunit gamma; minus strand). Cytogenetic location: Xq13.1.
Variant type: single nucleotide variant.
Coding change: c.577T>C on transcript NM_000206.3 (MANE Select); coding-DNA position 577, T replaced by C.
Protein change: p.Trp193Arg; replaces tryptophan 193 with arginine.
Molecular consequence: missense variant.
Genome position (GRCh38, 1-based): chrX:71,110,173, A>G on the plus strand (T>C on the coding strand, the complement: IL2RG is on the minus strand). VCF-style: chrX-71110173-A-G. GRCh37 (hg19) VCF-style: chrX-70330023-A-G.
Other names: short protein forms W193R.
Identifiers: ClinVar variation 967973 (VCV000967973.9), dbSNP rs2092260403, ClinGen allele CA413496233.

ClinVar aggregate classification (germline): Uncertain significance (1 of 4 stars; one submission).

Conditions:
X-linked severe combined immunodeficiency (SCIDX1). Also called: X-Linked Combined Immunodeficiency Diseases; IMMUNODEFICIENCY 4; SCID, X-LINKED; SEVERE COMBINED IMMUNODEFICIENCY, X-LINKED, T CELL-NEGATIVE, B CELL-POSITIVE, NK CELL-NEGATIVE; T-B+ severe combined immunodeficiency due to gamma chain deficiency. Identifiers: Orphanet 276, MedGen C6022468, MONDO:0010315, OMIM 300400. Disease mechanism: loss of function.

gnomAD v4.1: 1 of 1,211,057 alleles (0.000083%); no homozygotes.

Submission:

Labcorp Genetics (formerly Invitae), Labcorp
Classification: Uncertain significance for X-linked severe combined immunodeficiency. Last evaluated: 2019-10-23. Review status: criteria provided, single submitter. Criteria: Invitae Variant Classification Sherloc (09022015). Collection method: clinical testing. Allele origin: germline.
Comment: This variant is not present in population databases (ExAC no frequency). This variant has not been reported in the literature in individuals with IL2RG-related conditions. Algorithms developed to predict the effect of missense changes on protein structure and function output the following: SIFT: "Tolerated"; PolyPhen-2: "Benign"; Align-GVGD: "Class C0". The arginine amino acid residue is found in multiple mammalian species, suggesting that this missense change does not adversely affect protein function. These predictions have not been confirmed by published functional studies and their clinical significance is uncertain. In summary, the available evidence is currently insufficient to determine the role of this variant in disease. Therefore, it has been classified as a Variant of Uncertain Significance. This sequence change replaces tryptophan with arginine at codon 193 of the IL2RG protein (p.Trp193Arg). The tryptophan residue is weakly conserved and there is a moderate physicochemical difference between tryptophan and arginine.